The following is an entry in ClinVar:

NM_000256.3(MYBPC3):c.999C>T (p.Tyr333=)

Gene: MYBPC3 (myosin binding protein C3; minus strand). Cytogenetic location: 11p11.2.
Variant type: single nucleotide variant.
Coding change: c.999C>T on transcript NM_000256.3 (MANE Select); coding-DNA position 999, C replaced by T.
Protein change: p.Tyr333=; no amino-acid change (tyrosine 333 retained).
Molecular consequence: synonymous variant.
Genome position (GRCh38, 1-based): chr11:47,346,298, G>A on the plus strand (C>T on the coding strand, the complement: MYBPC3 is on the minus strand). VCF-style: chr11-47346298-G-A. GRCh37 (hg19) VCF-style: chr11-47367849-G-A.
Other names: c.999C>T, p.Tyr333= (LRG_386t1).
Identifiers: ClinVar variation 378192 (VCV000378192.50), dbSNP rs367947846, ClinGen allele CA057719.

ClinVar aggregate classification (germline): Conflicting classifications of pathogenicity. Review status: criteria provided, conflicting classifications (1 of 4 stars). 12 submissions from 11 submitters: Uncertain significance (1); Benign (2); Likely benign (9). Last evaluated 2025-12-17.

Conditions:
Hypertrophic cardiomyopathy 4. Also called: Familial hypertrophic cardiomyopathy 4. Identifiers: MedGen C1861862, MONDO:0007268, OMIM 115197.
Left ventricular noncompaction 10 (LVNC10). Identifiers: Orphanet 154, Orphanet 54260, MedGen C3715165, MONDO:0014163, OMIM 615396.
Cardiomyopathy (CMYO). Also called: Cardiomyopathies. Identifiers: Orphanet 167848, MedGen C0878544, MONDO:0004994, HP:0001638. Inheritance: Various modes of inheritance.
Hypertrophic cardiomyopathy. Also called: HYPERTROPHIC MYOCARDIOPATHY. Identifiers: Orphanet 217569, MedGen C0007194, MeSH D002312, MONDO:0005045, HP:0001639.
MYBPC3-related disorder. Also called: MYBPC3-related disorders; MYBPC3-related condition; MYBPC3-related disease.
Cardiovascular phenotype. Identifiers: MedGen CN230736.

Allele frequency attached by ClinVar (database versions not stated): gnomAD exomes 0.00007 and 0.00008; ESP Exome Variant Server 0.00008; TOPMed 0.00008; gnomAD 0.00009 and 0.00010; ExAC 0.00010.

Submissions (12):

Labcorp Genetics (formerly Invitae), Labcorp
Classification: Likely benign for Hypertrophic cardiomyopathy. Last evaluated: 2025-12-17. Review status: criteria provided, single submitter. Criteria: Invitae Variant Classification Sherloc (09022015). Collection method: clinical testing. Allele origin: germline.

PreventionGenetics, part of Exact Sciences
Classification: Likely benign for MYBPC3-related condition. Last evaluated: 2025-12-17. Review status: criteria provided, single submitter. Criteria: ACMG Guidelines, 2015. Collection method: clinical testing. Allele origin: germline.
Comment: This variant is classified as likely benign based on ACMG/AMP sequence variant interpretation guidelines (Richards et al. 2015 PMID: 25741868, with internal and published modifications).

Women's Health and Genetics/Laboratory Corporation of America, LabCorp
Classification: Likely benign. Last evaluated: 2025-01-24. Review status: criteria provided, single submitter. Criteria: LabCorp Variant Classification Summary - May 2015. Collection method: clinical testing. Allele origin: germline.

Blueprint Genetics
Classification: Likely benign. Last evaluated: 2024-10-21. Review status: criteria provided, single submitter. Criteria: ACMG Guidelines, 2015. Collection method: clinical testing. Allele origin: germline.

All of Us Research Program, National Institutes of Health
Classification: Likely benign for Hypertrophic cardiomyopathy. Last evaluated: 2023-12-18. Review status: criteria provided, single submitter. Criteria: ACMG Guidelines, 2015. Collection method: clinical testing. Allele origin: germline. Inheritance: Autosomal dominant inheritance. Observed: 24 variant alleles, 24 heterozygotes.
Comment: This study involves interpretation of variants in research participants for the purpose of population health screening. Participant phenotype was not available at the time of variant classification. Additional details can be found in publication PMID: 35346344, PMCID: PMC8962531

CeGaT Center for Human Genetics Tuebingen
Classification: Likely benign. Last evaluated: 2022-08-01. Review status: criteria provided, single submitter. Criteria: CeGaT Center For Human Genetics Tuebingen Variant Classification Criteria Version 2. Collection method: clinical testing. Allele origin: germline. Affected: yes. Observed: 1 variant allele.
Comment: MYBPC3: BP4, BP7

CHEO Genetics Diagnostic Laboratory, Children's Hospital of Eastern Ontario
Classification: Likely benign for Cardiomyopathy. Last evaluated: 2020-12-10. Review status: criteria provided, single submitter. Criteria: ACMG Guidelines, 2015. Collection method: clinical testing. Allele origin: germline. Study: Canadian Open Genetics Repository.

Color Diagnostics, LLC DBA Color Health
Classification: Likely benign for Cardiomyopathy. Last evaluated: 2018-11-08. Review status: criteria provided, single submitter. Criteria: ACMG Guidelines, 2015. Collection method: clinical testing. Allele origin: germline.

Illumina Laboratory Services, Illumina
Classification: Benign for Left ventricular noncompaction 10. Last evaluated: 2018-01-13. Review status: criteria provided, single submitter. Criteria: ICSL Variant Classification Criteria 13 December 2019. Collection method: clinical testing. Allele origin: germline.
Comment: This variant was observed in the ICSL laboratory as part of a predisposition screen in an ostensibly healthy population. It had not been previously curated by ICSL or reported in the Human Gene Mutation Database (HGMD: prior to June 1st, 2018), and was therefore a candidate for classification through an automated scoring system. Utilizing variant allele frequency, disease prevalence and penetrance estimates, and inheritance mode, an automated score was calculated to assess if this variant is too frequent to cause the disease. Based on the score and internal cut-off values, a variant classified as benign is not then subjected to further curation. The score for this variant resulted in a classification of benign for this disease.

Illumina Laboratory Services, Illumina
Classification: Uncertain significance for Hypertrophic cardiomyopathy 4. Last evaluated: 2018-01-13. Review status: criteria provided, single submitter. Criteria: ICSL Variant Classification Criteria 13 December 2019. Collection method: clinical testing. Allele origin: germline.

Ambry Genetics
Classification: Likely benign for Cardiovascular phenotype. Last evaluated: 2017-08-04. Review status: criteria provided, single submitter. Criteria: Ambry Variant Classification Scheme 2023. Collection method: clinical testing. Allele origin: germline.

GeneDx
Classification: Benign. Last evaluated: 2015-04-22. Review status: criteria provided, single submitter. Criteria: GeneDx Variant Classification (06012015). Collection method: clinical testing. Allele origin: germline. Affected: yes.
Comment: This variant is considered likely benign or benign based on one or more of the following criteria: it is a conservative change, it occurs at a poorly conserved position in the protein, it is predicted to be benign by multiple in silico algorithms, and/or has population frequency not consistent with disease.